The following is an entry in ClinVar:

NM_002691.4(POLD1):c.545T>C (p.Leu182Pro)

Gene: POLD1 (DNA polymerase delta 1, catalytic subunit; plus strand). Cytogenetic location: 19q13.33.
Variant type: single nucleotide variant.
Coding change: c.545T>C on transcript NM_002691.4 (MANE Select); coding-DNA position 545, T replaced by C.
Protein change: p.Leu182Pro; replaces leucine 182 with proline.
Molecular consequence: missense variant. On other transcripts: non-coding transcript variant (1).
Genome position (GRCh38, 1-based): chr19:50,402,080, T>C. VCF-style: chr19-50402080-T-C. GRCh37 (hg19) VCF-style: chr19-50905337-T-C.
Other names: c.545T>C, p.Leu182Pro (NM_001256849.1, NM_001308632.1); short protein forms L182P.
Identifiers: ClinVar variation 853235 (VCV000853235.9), dbSNP rs2038663921, ClinGen allele CA406973273.

ClinVar aggregate classification (germline): Uncertain significance (1 of 4 stars; one submission).

Conditions:
POLD1-related polyposis and colorectal cancer syndrome (CRCS10). Also called: Colorectal cancer 10; COLORECTAL CANCER, SUSCEPTIBILITY TO, ON CHROMOSOME 19q; Colorectal cancer, susceptibility to, 10. Identifiers: Orphanet 220460, MedGen C2675481, MONDO:0012953, OMIM 612591.

Submission:

Labcorp Genetics (formerly Invitae), Labcorp
Classification: Uncertain significance for POLD1-related polyposis and colorectal cancer syndrome. Last evaluated: 2019-02-12. Review status: criteria provided, single submitter. Criteria: Invitae Variant Classification Sherloc (09022015). Collection method: clinical testing. Allele origin: germline.
Comment: This variant has not been reported in the literature in individuals with POLD1-related conditions. In summary, the available evidence is currently insufficient to determine the role of this variant in disease. Therefore, it has been classified as a Variant of Uncertain Significance. Algorithms developed to predict the effect of missense changes on protein structure and function (SIFT, PolyPhen-2, Align-GVGD) all suggest that this variant is likely to be tolerated, but these predictions have not been confirmed by published functional studies and their clinical significance is uncertain. This variant is not present in population databases (ExAC no frequency). This sequence change replaces leucine with proline at codon 182 of the POLD1 protein (p.Leu182Pro). The leucine residue is weakly conserved and there is a moderate physicochemical difference between leucine and proline.